The following is an entry in ClinVar:

ClinVar aggregate classification (germline): Likely benign. Review status: criteria provided, multiple submitters, no conflicts (2 of 4 stars). 3 submissions from 3 submitters: Likely benign (2). 1 of the submissions does not count toward it. Last evaluated 2026-03-01.

Allele frequency attached by ClinVar (database versions not stated): ExAC 0.00009; gnomAD exomes 0.00012; ESP Exome Variant Server 0.00017; TOPMed 0.00019.
gnomAD v4.1: 572 of 1,613,812 alleles (0.035%); highest among the groups gnomAD compares: Non-Finnish European, 0.047%; no homozygotes.

Submissions (3):

CeGaT Center for Human Genetics Tuebingen
Classification: Likely benign. Last evaluated: 2026-03-01. Review status: criteria provided, single submitter. Criteria: CeGaT Center For Human Genetics Tuebingen Variant Classification Criteria Version 2. Collection method: clinical testing. Allele origin: germline. Affected: yes. Observed: 1 variant allele.
Comment: ASXL2: PP2, BS2

Labcorp Genetics (formerly Invitae), Labcorp
Classification: Likely benign. Last evaluated: 2023-10-14. Review status: criteria provided, single submitter. Criteria: Invitae Variant Classification Sherloc (09022015). Collection method: clinical testing. Allele origin: germline.

Department of Pathology and Laboratory Medicine, Sinai Health System
Classification: Uncertain significance. Review status: no assertion criteria provided. Collection method: clinical testing. Allele origin: unknown. Affected: yes. Study: The Canadian Open Genetics Repository (COGR). Not counted in ClinVar's aggregate classification.
Comment: The ASXL2 p.Gly5Arg variant was not identified in the ClinVar, Cosmic or MutDB databases. The variant was identified in dbSNP (ID: rs371056638), LOVD 3.0 and in control databases in 30 of 280406 chromosomes at a frequency of 0.000107 (Genome Aggregation Database Feb 27, 2017). The variant was observed in the following populations: European (non-Finnish) in 28 of 128260 chromosomes (freq: 0.000218), African in 1 of 24192 chromosomes (freq: 0.000041) and European (Finnish) in 1 of 24960 chromosomes (freq: 0.00004); it was not observed in the Latino, Ashkenazi Jewish, East Asian, Other, and South Asian populations. Lasho et al. (2018) identified the p.Gly5Arg variant in an individual with myelodysplastic/myeloproliferative neoplasms (Lasho_2018_PMID: 29531217). The p.Gly5 residue is conserved in mammals but not in more distantly related organisms and computational analyses (PolyPhen-2, SIFT, AlignGVGD, BLOSUM, MutationTaster) provide inconsistent predictions regarding the impact to the protein; this information is not very predictive of pathogenicity. In summary, based on the above information the clinical significance of this variant cannot be determined with certainty at this time. This variant is classified as a variant of uncertain significance.

NM_018263.6(ASXL2):c.13G>A (p.Gly5Arg)

Gene: ASXL2 (ASXL transcriptional regulator 2; minus strand). Cytogenetic location: 2p23.3.
Variant type: single nucleotide variant.
Coding change: c.13G>A on transcript NM_018263.6 (MANE Select); coding-DNA position 13, G replaced by A.
Protein change: p.Gly5Arg; replaces glycine 5 with arginine.
Molecular consequence: missense variant.
Genome position (GRCh38, 1-based): chr2:25,878,210, C>T on the plus strand (G>A on the coding strand, the complement: ASXL2 is on the minus strand). VCF-style: chr2-25878210-C-T. GRCh37 (hg19) VCF-style: chr2-26101079-C-T.
Other names: short protein forms G5R.
Identifiers: ClinVar variation 1050282 (VCV001050282.8), dbSNP rs371056638, ClinGen allele CA1558192.
Genomic context (GRCh38, chr2:25,878,210, plus strand): 5'-GCTCCCTCCCCCTTACCGTCTTGGCGGCCTCCGCCCAGGTCCTGCCCTTCTTCCTACGTC[C>T]CTTTTCCCTCATGTCGGGTCTTGAACTGACTGGGAGGCTCCCGTGTCCGGGCTCCGGCCG-3'
Protein context (NP_060733.4, residues 1-15): MREK[Gly5Arg]RRKKGRTWAE